The following is an entry in ClinVar:

NM_000088.4(COL1A1):c.1017C>T (p.Pro339=)

Gene: COL1A1 (collagen type I alpha 1 chain; minus strand). Cytogenetic location: 17q21.33.
Variant type: single nucleotide variant.
Coding change: c.1017C>T on transcript NM_000088.4 (MANE Select); coding-DNA position 1017, C replaced by T.
Protein change: p.Pro339=; no amino-acid change (proline 339 retained).
Molecular consequence: synonymous variant.
Genome position (GRCh38, 1-based): chr17:50,195,962, G>A on the plus strand (C>T on the coding strand, the complement: COL1A1 is on the minus strand). VCF-style: chr17-50195962-G-A. GRCh37 (hg19) VCF-style: chr17-48273323-G-A.
Identifiers: ClinVar variation 890331 (VCV000890331.14), dbSNP rs543735501, ClinGen allele CA8645429.

ClinVar aggregate classification (germline): Conflicting classifications of pathogenicity. Review status: criteria provided, conflicting classifications (1 of 4 stars). 6 submissions from 4 submitters: Uncertain significance (1); Benign (1); Likely benign (4). Last evaluated 2026-01-21.

Conditions:
Cardiovascular phenotype. Identifiers: MedGen CN230736.
Ehlers-Danlos syndrome, arthrochalasia type. Also called: ARTHROCHALASIS MULTIPLEX CONGENITA; EDS VII, MUTANT PROCOLLAGEN TYPE; EDS VIIA; Ehlers-Danlos syndrome, arthrochalasia type, 1; Ehlers-Danlos syndrome, arthrochalasis type. Identifiers: Orphanet 1899, Orphanet 99875, Orphanet 99876, MedGen C4551623, MONDO:0007525, OMIM 130060.
Osteogenesis imperfecta type I (OI1). Also called: OI, TYPE I; OSTEOGENESIS IMPERFECTA TARDA; OSTEOGENESIS IMPERFECTA WITH BLUE SCLERAE; Osteogenesis imperfecta type 1; Lobstein's Disease; Lobstein disease. Identifiers: Orphanet 216796, Orphanet 666, MedGen C0023931, MONDO:0008146, OMIM 166200. Disease mechanism: loss of function.
Infantile cortical hyperostosis. Also called: Caffey Disease; Hyperostosis, Cortical, Congenital; P1PK BLOOD GROUP SYSTEM, P(2) PHENOTYPE. Identifiers: Orphanet 1310, MedGen C0020497, MONDO:0007244, OMIM 114000.
Osteogenesis imperfecta (OI). Identifiers: Orphanet 666, MedGen C0029434, MeSH D010013, MONDO:0019019.

Allele frequency attached by ClinVar (database versions not stated): gnomAD 0.00001; TOPMed 0.00001; gnomAD exomes 0.00002; ExAC 0.00007; 1000 Genomes Project 0.00020; 1000 Genomes Project 30x 0.00031.

Submissions (6):

Labcorp Genetics (formerly Invitae), Labcorp
Classification: Likely benign for Osteogenesis imperfecta type I. Last evaluated: 2026-01-21. Review status: criteria provided, single submitter. Criteria: Invitae Variant Classification Sherloc (09022015). Collection method: clinical testing. Allele origin: germline.

Ambry Genetics
Classification: Likely benign for Cardiovascular phenotype. Last evaluated: 2021-06-23. Review status: criteria provided, single submitter. Criteria: Ambry Variant Classification Scheme 2023. Collection method: clinical testing. Allele origin: germline.

GeneDx
Classification: Likely benign. Last evaluated: 2020-05-20. Review status: criteria provided, single submitter. Criteria: GeneDx Variant Classification Process June 2021. Collection method: clinical testing. Allele origin: germline. Affected: yes.
Comment: See Variant Classification Assertion Criteria.

Illumina Laboratory Services, Illumina
Classification: Uncertain significance for Infantile cortical hyperostosis. Last evaluated: 2018-01-13. Review status: criteria provided, single submitter. Criteria: ICSL Variant Classification Criteria 13 December 2019. Collection method: clinical testing. Allele origin: germline.

Illumina Laboratory Services, Illumina
Classification: Benign for Ehlers-Danlos syndrome, arthrochalasia type. Last evaluated: 2018-01-13. Review status: criteria provided, single submitter. Criteria: ICSL Variant Classification Criteria 13 December 2019. Collection method: clinical testing. Allele origin: germline.
Comment: This variant was observed in the ICSL laboratory as part of a predisposition screen in an ostensibly healthy population. It had not been previously curated by ICSL or reported in the Human Gene Mutation Database (HGMD: prior to June 1st, 2018), and was therefore a candidate for classification through an automated scoring system. Utilizing variant allele frequency, disease prevalence and penetrance estimates, and inheritance mode, an automated score was calculated to assess if this variant is too frequent to cause the disease. Based on the score and internal cut-off values, a variant classified as benign is not then subjected to further curation. The score for this variant resulted in a classification of benign for this disease.

Illumina Laboratory Services, Illumina
Classification: Likely benign for Osteogenesis imperfecta. Last evaluated: 2018-01-13. Review status: criteria provided, single submitter. Criteria: ICSL Variant Classification Criteria 13 December 2019. Collection method: clinical testing. Allele origin: germline.
Comment: This variant was observed in the ICSL laboratory as part of a predisposition screen in an ostensibly healthy population. It had not been previously curated by ICSL or reported in the Human Gene Mutation Database (HGMD: prior to June 1st, 2018), and was therefore a candidate for classification through an automated scoring system. Utilizing variant allele frequency, disease prevalence and penetrance estimates, and inheritance mode, an automated score was calculated to assess if this variant is too frequent to cause the disease. Based on the score and internal cut-off values, a variant classified as likely benign is not then subjected to further curation. The score for this variant resulted in a classification of likely benign for this disease.